The following is an entry in ClinVar:

NM_002478.5(MYOD1):c.278G>A (p.Cys93Tyr)

Gene: MYOD1 (myogenic differentiation 1; plus strand). Cytogenetic location: 11p15.1.
Variant type: single nucleotide variant.
Coding change: c.278G>A on transcript NM_002478.5 (MANE Select); coding-DNA position 278, G replaced by A.
Protein change: p.Cys93Tyr; replaces cysteine 93 with tyrosine.
Molecular consequence: missense variant.
Genome position (GRCh38, 1-based): chr11:17,720,060, G>A. VCF-style: chr11-17720060-G-A. GRCh37 (hg19) VCF-style: chr11-17741607-G-A.
Other names: short protein forms C93Y.
Identifiers: ClinVar variation 4281320 (VCV004281320.7).

ClinVar aggregate classification (germline): Uncertain significance (1 of 4 stars; one submission).

Submission:

CeGaT Center for Human Genetics Tuebingen
Classification: Uncertain significance. Last evaluated: 2025-09-01. Review status: criteria provided, single submitter. Criteria: CeGaT Center For Human Genetics Tuebingen Variant Classification Criteria Version 2. Collection method: clinical testing. Allele origin: germline. Affected: yes. Observed: 1 variant allele.
Comment: MYOD1: PM2, PP3